The following is an entry in ClinVar:

NM_000260.4(MYO7A):c.4051T>C (p.Phe1351Leu)

Gene: MYO7A (myosin VIIA; plus strand). Cytogenetic location: 11q13.5.
Variant type: single nucleotide variant.
Coding change: c.4051T>C on transcript NM_000260.4 (MANE Select); coding-DNA position 4051, T replaced by C.
Protein change: p.Phe1351Leu; replaces phenylalanine 1351 with leucine.
Molecular consequence: missense variant.
Genome position (GRCh38, 1-based): chr11:77,192,177, T>C. VCF-style: chr11-77192177-T-C. GRCh37 (hg19) VCF-style: chr11-76903222-T-C.
Other names: c.4051T>C, p.Phe1351Leu (NM_001127180.2); c.4018T>C, p.Phe1340Leu (NM_001369365.1); short protein forms F1340L, F1351L.
Identifiers: ClinVar variation 881437 (VCV000881437.14), dbSNP rs753630781, ClinGen allele CA6198303.

ClinVar aggregate classification (germline): Conflicting classifications of pathogenicity. Review status: criteria provided, conflicting classifications (1 of 4 stars). 5 submissions from 3 submitters: Likely pathogenic (1); Uncertain significance (4). Last evaluated 2025-07-14.

Conditions:
Autosomal recessive nonsyndromic hearing loss 2. Also called: NEUROSENSORY NONSYNDROMIC RECESSIVE DEAFNESS 2; DEAFNESS, AUTOSOMAL RECESSIVE 2. Identifiers: Orphanet 90636, MedGen C1838701, MONDO:0010807, OMIM 600060.
MYO7A-related disorder. Also called: MYO7A-related disorders.
Usher syndrome type 1 (USH1). Also called: RETINITIS PIGMENTOSA AND CONGENITAL DEAFNESS. Identifiers: Orphanet 231169, Orphanet 886, MedGen C1568247, MONDO:0010168, OMIM 276900.
Autosomal dominant nonsyndromic hearing loss 11. Identifiers: Orphanet 90635, MedGen C1832475, MONDO:0011032, OMIM 601317.

Allele frequency attached by ClinVar (database versions not stated): ExAC 0.00001; gnomAD 0.00001; gnomAD exomes 0.00001; TOPMed 0.00001.
gnomAD v4.1: 5 of 1,613,904 alleles (0.00031%); highest among the groups gnomAD compares: Non-Finnish European, 0.00042%; no homozygotes.

Submissions (5):

Labcorp Genetics (formerly Invitae), Labcorp
Classification: Uncertain significance. Last evaluated: 2025-07-14. Review status: criteria provided, single submitter. Criteria: Invitae Variant Classification Sherloc (09022015). Collection method: clinical testing. Allele origin: germline.
Comment: This sequence change replaces phenylalanine, which is neutral and non-polar, with leucine, which is neutral and non-polar, at codon 1351 of the MYO7A protein (p.Phe1351Leu). This variant is present in population databases (rs753630781, gnomAD 0.003%). This variant has not been reported in the literature in individuals affected with MYO7A-related conditions. ClinVar contains an entry for this variant (Variation ID: 881437). Invitae Evidence Modeling of protein sequence and biophysical properties (such as structural, functional, and spatial information, amino acid conservation, physicochemical variation, residue mobility, and thermodynamic stability) indicates that this missense variant is expected to disrupt MYO7A protein function with a positive predictive value of 95%. In summary, the available evidence is currently insufficient to determine the role of this variant in disease. Therefore, it has been classified as a Variant of Uncertain Significance.

Blueprint Genetics
Classification: Likely pathogenic for MYO7A-related disorders. Last evaluated: 2023-07-28. Review status: criteria provided, single submitter. Criteria: ACMG Guidelines, 2015. Collection method: clinical testing. Allele origin: germline. Affected: yes. Observed: 5 variant alleles.

Illumina Laboratory Services, Illumina
Classification: Uncertain significance for Usher syndrome type 1. Last evaluated: 2018-01-13. Review status: criteria provided, single submitter. Criteria: ICSL Variant Classification Criteria 13 December 2019. Collection method: clinical testing. Allele origin: germline.

Illumina Laboratory Services, Illumina
Classification: Uncertain significance for Autosomal dominant nonsyndromic hearing loss 11. Last evaluated: 2018-01-13. Review status: criteria provided, single submitter. Criteria: ICSL Variant Classification Criteria 13 December 2019. Collection method: clinical testing. Allele origin: germline.

Illumina Laboratory Services, Illumina
Classification: Uncertain significance for Autosomal recessive nonsyndromic hearing loss 2. Last evaluated: 2018-01-13. Review status: criteria provided, single submitter. Criteria: ICSL Variant Classification Criteria 13 December 2019. Collection method: clinical testing. Allele origin: germline.